The following is an entry in ClinVar:

ClinVar aggregate classification (germline): Uncertain significance. Review status: criteria provided, multiple submitters, no conflicts (2 of 4 stars). 3 submissions from 3 submitters: Uncertain significance (3). Last evaluated 2025-08-03.

Allele frequency attached by ClinVar (database versions not stated): gnomAD 0.00001 and 0.00002; gnomAD exomes 0.00002; TOPMed 0.00002; 1000 Genomes Project 0.00026; 1000 Genomes Project 30x 0.00042.
gnomAD v4.1: 35 of 1,201,915 alleles (0.0029%); highest among the groups gnomAD compares: African/African-American, 0.0053%; no homozygotes.

Submissions (3):

Ambry Genetics
Classification: Uncertain significance. Last evaluated: 2025-08-03. Review status: criteria provided, single submitter. Criteria: Ambry Variant Classification Scheme 2023. Collection method: clinical testing. Allele origin: germline.

Women's Health and Genetics/Laboratory Corporation of America, LabCorp
Classification: Uncertain significance. Last evaluated: 2023-12-26. Review status: criteria provided, single submitter. Criteria: LabCorp Variant Classification Summary - May 2015. Collection method: clinical testing. Allele origin: germline.
Comment: Variant summary: COL4A6 c.4246G>A (p.Gly1416Ser) results in a non-conservative amino acid change, disrupting a glycine residue at position 1 of a Gly-X-Y motif located in the collagen triple helix repeat (IPR008160) of the encoded protein sequence. Five of five in-silico tools predict a damaging effect of the variant on protein function. Consensus agreement among computation tools predict no significant impact on normal splicing. However, these predictions have yet to be confirmed by functional studies. The variant allele was found at a frequency of 2.9e-05 in 1201915 control chromosomes (i.e., 35 alleles, including 10 hemizygotes; gnomAD v4.0.0). The available data on variant occurrences in the general population are insufficient to allow any conclusion about variant significance. To our knowledge, no occurrence of c.4246G>A in individuals affected with Deafness, X-Linked 6 and no experimental evidence demonstrating its impact on protein function have been reported. One submitter has reported clinical-significance assessments for this variant to ClinVar after 2014 and has classified the variant as uncertain significance. Based on the evidence outlined above, the variant was classified as uncertain significance.

Labcorp Genetics (formerly Invitae), Labcorp
Classification: Uncertain significance. Last evaluated: 2021-03-08. Review status: criteria provided, single submitter. Criteria: Invitae Variant Classification Sherloc (09022015). Collection method: clinical testing. Allele origin: germline.
Comment: This sequence change replaces glycine with serine at codon 1416 of the COL4A6 protein (p.Gly1416Ser). The glycine residue is highly conserved and there is a small physicochemical difference between glycine and serine. This variant is present in population databases (rs750744219, ExAC 0.01%). This variant has not been reported in the literature in individuals with COL4A6-related conditions. Algorithms developed to predict the effect of missense changes on protein structure and function (SIFT, PolyPhen-2, Align-GVGD) all suggest that this variant is likely to be disruptive, but these predictions have not been confirmed by published functional studies and their clinical significance is uncertain. Algorithms developed to predict the effect of sequence changes on RNA splicing suggest that this variant may create or strengthen a splice site, but this prediction has not been confirmed by published transcriptional studies. In summary, the available evidence is currently insufficient to determine the role of this variant in disease. Therefore, it has been classified as a Variant of Uncertain Significance.

NM_033641.4(COL4A6):c.4243G>A (p.Gly1415Ser)

Gene: COL4A6 (collagen type IV alpha 6 chain; minus strand). Cytogenetic location: Xq22.3.
Variant type: single nucleotide variant.
Coding change: c.4243G>A on transcript NM_033641.4 (MANE Select); coding-DNA position 4243, G replaced by A.
Protein change: p.Gly1415Ser; replaces glycine 1415 with serine.
Molecular consequence: missense variant.
Genome position (GRCh38, 1-based): chrX:108,161,709, C>T on the plus strand (G>A on the coding strand, the complement: COL4A6 is on the minus strand). VCF-style: chrX-108161709-C-T. GRCh37 (hg19) VCF-style: chrX-107404939-C-T.
Other names: c.4294G>A, p.Gly1432Ser (NM_001287758.2); c.4171G>A, p.Gly1391Ser (NM_001287759.2); c.4072G>A, p.Gly1358Ser (NM_001287760.2); c.4246G>A, p.Gly1416Ser (NM_001847.4); c.4246G>A (NM_001847.2); short protein forms G1416S, G1358S, G1391S, G1415S, G1432S.
Identifiers: ClinVar variation 1366411 (VCV001366411.10), dbSNP rs750744219, ClinGen allele CA10487231.
Genomic context (GRCh38, chrX:108,161,709, plus strand): 5'-GCAGACCAGGATCACCAAGAGCCCCAGGTGGGCCTGGGAGCCCACTGGGGCCATCTTTAC[C>T]GGGGATGCCAGGTAAACCTTTGGAGCCTGCAGGAGAGAAAGCCCAAAGGAGGGTACTCAA-3'
Protein context (NP_378667.1, residues 1405-1425): QGSKGLPGIP[Gly1415Ser]KDGPSGLPGP